The following is an entry in ClinVar:

ClinVar aggregate classification (germline): Uncertain significance (1 of 4 stars; one submission).

Submission:

GeneDx
Classification: Uncertain significance. Last evaluated: 2026-02-05. Review status: criteria provided, single submitter. Criteria: GeneDx Variant Classification Process June 2021. Collection method: clinical testing. Allele origin: germline.
Comment: Not observed at significant frequency in large population cohorts (gnomAD); In silico analysis supports that this missense variant has a deleterious effect on protein structure/function; Has not been previously published as pathogenic or benign to our knowledge; Not located in one of the three hot-spot regions of the RYR2 gene, where the majority of pathogenic missense variants occur (PMID: 19926015); This variant is associated with the following publications: (PMID: 19926015)

NM_001035.3(RYR2):c.10376A>C (p.Tyr3459Ser)

Gene: RYR2 (ryanodine receptor 2; plus strand). Cytogenetic location: 1q43.
Variant type: single nucleotide variant.
Coding change: c.10376A>C on transcript NM_001035.3 (MANE Select); coding-DNA position 10376, A replaced by C.
Protein change: p.Tyr3459Ser; replaces tyrosine 3459 with serine.
Molecular consequence: missense variant.
Genome position (GRCh38, 1-based): chr1:237,717,250, A>C. VCF-style: chr1-237717250-A-C. GRCh37 (hg19) VCF-style: chr1-237880550-A-C.
Other names: short protein forms Y3459S.
Identifiers: ClinVar variation 4975508 (VCV004975508.1).
Genomic context (GRCh38, chr1:237,717,250, plus strand): 5'-TTCCATAGGCAGCTGTTTCTGATCAGGAAAGGAAGAAAATGAAGCGCAAAGGAGATCGGT[A>C]TTCCATGCAGACCTCTCTGATTGTAGCAGCTCTGAAGCGGTTACTGCCCATTGGGTTGAA-3'
Protein context (NP_001026.2, residues 3449-3469): RKKMKRKGDR[Tyr3459Ser]SMQTSLIVAA